The following is an entry in ClinVar:

NM_000093.5(COL5A1):c.940C>G (p.Pro314Ala)

Gene: COL5A1 (collagen type V alpha 1 chain; plus strand). Cytogenetic location: 9q34.3.
Variant type: single nucleotide variant.
Coding change: c.940C>G on transcript NM_000093.5 (MANE Select); coding-DNA position 940, C replaced by G.
Protein change: p.Pro314Ala; replaces proline 314 with alanine.
Molecular consequence: missense variant.
Genome position (GRCh38, 1-based): chr9:134,730,251, C>G. VCF-style: chr9-134730251-C-G. GRCh37 (hg19) VCF-style: chr9-137622097-C-G.
Other names: c.940C>G, p.Pro314Ala (NM_001278074.1); short protein forms P314A.
Identifiers: ClinVar variation 2858594 (VCV002858594.3), dbSNP rs2490500678, ClinGen allele CA375449062.

ClinVar aggregate classification (germline): Uncertain significance (1 of 4 stars; one submission).

Conditions:
Ehlers-Danlos syndrome, classic type, 1 (EDSCL1). Also called: EHLERS-DANLOS SYNDROME, GRAVIS TYPE; EHLERS-DANLOS SYNDROME, SEVERE CLASSIC TYPE; Ehlers-Danlos syndrome, type 1; Ehlers-Danlos Syndrome, Classic Type, COL5A1-Related; EDS I. Identifiers: MedGen C0268335, MONDO:0019567, OMIM 130000.

Submission:

Labcorp Genetics (formerly Invitae), Labcorp
Classification: Uncertain significance for Ehlers-Danlos syndrome, classic type, 1. Last evaluated: 2023-04-23. Review status: criteria provided, single submitter. Criteria: Invitae Variant Classification Sherloc (09022015). Collection method: clinical testing. Allele origin: germline.
Comment: In summary, the available evidence is currently insufficient to determine the role of this variant in disease. Therefore, it has been classified as a Variant of Uncertain Significance. Advanced modeling of protein sequence and biophysical properties (such as structural, functional, and spatial information, amino acid conservation, physicochemical variation, residue mobility, and thermodynamic stability) performed at Invitae indicates that this missense variant is not expected to disrupt COL5A1 protein function. This variant has not been reported in the literature in individuals affected with COL5A1-related conditions. This variant is not present in population databases (gnomAD no frequency). This sequence change replaces proline, which is neutral and non-polar, with alanine, which is neutral and non-polar, at codon 314 of the COL5A1 protein (p.Pro314Ala).